The following is an entry in ClinVar:

ClinVar aggregate classification (germline): Uncertain significance (1 of 4 stars; one submission).

Conditions:
LAMA2-related muscular dystrophy (LAMA2-RD). Also called: Laminin alpha 2-related dystrophy. Identifiers: MedGen C5679788, MONDO:0100228.

Allele frequency attached by ClinVar (database versions not stated): gnomAD exomes below 0.00001; gnomAD 0.00001; TOPMed 0.00001; ESP Exome Variant Server 0.00008.
gnomAD v4.1: 3 of 1,613,854 alleles (0.00019%); highest among the groups gnomAD compares: African/African-American, 0.0027%; no homozygotes.

Submission:

Labcorp Genetics (formerly Invitae), Labcorp
Classification: Uncertain significance for LAMA2-related muscular dystrophy. Last evaluated: 2022-08-17. Review status: criteria provided, single submitter. Criteria: Invitae Variant Classification Sherloc (09022015). Collection method: clinical testing. Allele origin: germline.
Comment: This sequence change replaces glutamic acid, which is acidic and polar, with glycine, which is neutral and non-polar, at codon 357 of the LAMA2 protein (p.Glu357Gly). This variant is not present in population databases (gnomAD no frequency). This variant has not been reported in the literature in individuals affected with LAMA2-related conditions. ClinVar contains an entry for this variant (Variation ID: 1360724). Advanced modeling of protein sequence and biophysical properties (such as structural, functional, and spatial information, amino acid conservation, physicochemical variation, residue mobility, and thermodynamic stability) performed at Invitae indicates that this missense variant is not expected to disrupt LAMA2 protein function. In summary, the available evidence is currently insufficient to determine the role of this variant in disease. Therefore, it has been classified as a Variant of Uncertain Significance.

NM_000426.4(LAMA2):c.1070A>G (p.Glu357Gly)

Gene: LAMA2 (laminin subunit alpha 2; plus strand). Cytogenetic location: 6q22.33.
Variant type: single nucleotide variant.
Coding change: c.1070A>G on transcript NM_000426.4 (MANE Select); coding-DNA position 1070, A replaced by G.
Protein change: p.Glu357Gly; replaces glutamic acid 357 with glycine.
Molecular consequence: missense variant.
Genome position (GRCh38, 1-based): chr6:129,154,547, A>G. VCF-style: chr6-129154547-A-G. GRCh37 (hg19) VCF-style: chr6-129475692-A-G.
Other names: c.1070A>G, p.Glu357Gly (NM_001079823.2); short protein forms E357G.
Identifiers: ClinVar variation 1360724 (VCV001360724.5), dbSNP rs145129199, ClinGen allele CA146889735.